The following is an entry in ClinVar:

ClinVar aggregate classification (germline): Pathogenic (1 of 4 stars; one submission).

Submission:

Labcorp Genetics (formerly Invitae), Labcorp
Classification: Pathogenic. Last evaluated: 2023-12-12. Review status: criteria provided, single submitter. Criteria: Invitae Variant Classification Sherloc (09022015). Collection method: clinical testing. Allele origin: germline.
Comment: This sequence change creates a premature translational stop signal (p.Glu29*) in the TCF20 gene. It is expected to result in an absent or disrupted protein product. Loss-of-function variants in TCF20 are known to be pathogenic (PMID: 30739909, 30819258). This variant is not present in population databases (gnomAD no frequency). This variant has not been reported in the literature in individuals affected with TCF20-related conditions. Algorithms developed to predict the effect of sequence changes on RNA splicing suggest that this variant may create or strengthen a splice site. For these reasons, this variant has been classified as Pathogenic.

Literature cited by the submitters: PubMed 30739909; PubMed 30819258.

NM_001378418.1(TCF20):c.85G>T (p.Glu29Ter)

Gene: TCF20 (transcription factor 20; minus strand). Cytogenetic location: 22q13.2.
Variant type: single nucleotide variant.
Coding change: c.85G>T on transcript NM_001378418.1 (MANE Select); coding-DNA position 85, G replaced by T.
Protein change: p.Glu29Ter; replaces glutamic acid 29 with a stop codon.
Molecular consequence: nonsense.
Genome position (GRCh38, 1-based): chr22:42,215,221, C>A on the plus strand (G>T on the coding strand, the complement: TCF20 is on the minus strand). VCF-style: chr22-42215221-C-A. GRCh37 (hg19) VCF-style: chr22-42611227-C-A.
Other names: c.85G>T, p.Glu29Ter (NM_005650.4, NM_181492.3); short protein forms E29*.
Identifiers: ClinVar variation 2760111 (VCV002760111.3), dbSNP rs2518249621, ClinGen allele CA411793755.